The following is an entry in ClinVar:

NM_024426.6(WT1):c.1190T>G (p.Met397Arg)

Gene: WT1 (WT1 transcription factor; minus strand). Cytogenetic location: 11p13.
Variant type: single nucleotide variant.
Coding change: c.1190T>G on transcript NM_024426.6 (MANE Select); coding-DNA position 1190, T replaced by G.
Protein change: p.Met397Arg; replaces methionine 397 with arginine.
Molecular consequence: missense variant. On other transcripts: initiator codon variant (1), non-coding transcript variant (2).
Genome position (GRCh38, 1-based): chr11:32,396,331, A>C on the plus strand (T>G on the coding strand, the complement: WT1 is on the minus strand). VCF-style: chr11-32396331-A-C. GRCh37 (hg19) VCF-style: chr11-32417877-A-C.
Other names: c.1139T>G, p.Met380Arg (NM_000378.6, NM_001407045.1, NM_001407048.1 and 1 more transcripts); c.539T>G, p.Met180Arg (NM_001198551.2); c.488T>G, p.Met163Arg (NM_001198552.2); c.2T>G, p.Met1Arg (NM_001367854.1); c.1184T>G, p.Met395Arg (NM_001407044.1); c.1190T>G, p.Met397Arg (NM_001407046.1, NM_024424.5); c.1067T>G, p.Met356Arg (NM_001407047.1); c.1016T>G, p.Met339Arg (NM_001407050.1); and 3 more; short protein forms M163R, M180R, M380R, M397R, M356R, M392R, M395R, M143R.
Identifiers: ClinVar variation 2927958 (VCV002927958.4), dbSNP rs2132940385, ClinGen allele CA379959932.
Genomic context (GRCh38, chr11:32,396,331, plus strand): 5'-CTGTGCATCTGTAAGTGGGACAGCTTAAAATATCTCTTATTGCAGCCTGGGTAAGCACAC[A>C]TGAAGGGGCGTTTCTCACTGGTCTCAGATGCCGACCGTACAAGAGTCGGGGCTACTCCAG-3'
Protein context (NP_077744.4, residues 387-407): ASETSEKRPF[Met397Arg]CAYPGCNKRY

ClinVar aggregate classification (germline): Uncertain significance. Review status: criteria provided, multiple submitters, no conflicts (2 of 4 stars). 2 submissions from 2 submitters: Uncertain significance (2). Last evaluated 2025-01-27.

Conditions:
Frasier syndrome. Identifiers: Orphanet 347, MedGen C0950122, MeSH D052159, MONDO:0007635, OMIM 136680.
Drash syndrome (DDS). Also called: NEPHROPATHY, WILMS TUMOR, AND GENITAL ANOMALIES; WILMS TUMOR AND PSEUDO- OR TRUE HERMAPHRODITISM. Identifiers: Orphanet 220, MedGen C0950121, MONDO:0008682, OMIM 194080.
Wilms tumor 1 (WT1). Also called: Wilms tumor, somatic. Identifiers: Orphanet 654, MedGen CN033288, MONDO:0008679, OMIM 194070.
11p partial monosomy syndrome (WAGR). Also called: WAGR syndrome; WAGR Complex; CHROMOSOME 11p13 DELETION SYNDROME; WAGR Spectrum Disorder. Identifiers: Orphanet 893, MedGen C0206115, MONDO:0008681, OMIM 194072.
Inborn genetic diseases. Identifiers: MedGen C0950123, MeSH D030342.

Submissions (2):

Ambry Genetics
Classification: Uncertain significance for Inborn genetic diseases. Last evaluated: 2025-01-27. Review status: criteria provided, single submitter. Criteria: Ambry Variant Classification Scheme 2023. Collection method: clinical testing. Allele origin: germline.
Comment: The p.M392R variant (also known as c.1175T>G), located in coding exon 7 of the WT1 gene, results from a T to G substitution at nucleotide position 1175. The methionine at codon 392 is replaced by arginine, an amino acid with similar properties. This amino acid position is conserved. In addition, the in silico prediction for this alteration is inconclusive. Based on the available evidence, the clinical significance of this variant remains unclear.

Labcorp Genetics (formerly Invitae), Labcorp
Classification: Uncertain significance for Wilms tumor 1; Drash syndrome; 11p partial monosomy syndrome; Frasier syndrome. Last evaluated: 2023-02-08. Review status: criteria provided, single submitter. Criteria: Invitae Variant Classification Sherloc (09022015). Collection method: clinical testing. Allele origin: germline.
Comment: In summary, the available evidence is currently insufficient to determine the role of this variant in disease. Therefore, it has been classified as a Variant of Uncertain Significance. This sequence change replaces methionine, which is neutral and non-polar, with arginine, which is basic and polar, at codon 392 of the WT1 protein (p.Met392Arg). This variant is not present in population databases (gnomAD no frequency). This variant has not been reported in the literature in individuals affected with WT1-related conditions. Algorithms developed to predict the effect of missense changes on protein structure and function (SIFT, PolyPhen-2, Align-GVGD) all suggest that this variant is likely to be disruptive. Algorithms developed to predict the effect of sequence changes on RNA splicing suggest that this variant may create or strengthen a splice site.